The following is an entry in ClinVar:

ClinVar aggregate classification (germline): Uncertain significance (1 of 4 stars; one submission).

Submission:

Labcorp Genetics (formerly Invitae), Labcorp
Classification: Uncertain significance. Last evaluated: 2018-02-28. Review status: criteria provided, single submitter. Criteria: Invitae Variant Classification Sherloc (09022015). Collection method: clinical testing. Allele origin: germline.
Comment: This sequence change replaces serine with isoleucine at codon 1520 of the POLE protein (p.Ser1520Ile). The serine residue is moderately conserved and there is a large physicochemical difference between serine and isoleucine. This variant is not present in population databases (ExAC no frequency). This variant has not been reported in the literature in individuals with POLE-related disease. Algorithms developed to predict the effect of missense changes on protein structure and function do not agree on the potential impact of this missense change (SIFT: "Deleterious"; PolyPhen-2: "Benign"; Align-GVGD: "Class C0"). In summary, the available evidence is currently insufficient to determine the role of this variant in disease. Therefore, it has been classified as a Variant of Uncertain Significance.

NM_006231.4(POLE):c.4559G>T (p.Ser1520Ile)

Gene: POLE (DNA polymerase epsilon, catalytic subunit; minus strand). Cytogenetic location: 12q24.33.
Variant type: single nucleotide variant.
Coding change: c.4559G>T on transcript NM_006231.4 (MANE Select); coding-DNA position 4559, G replaced by T.
Protein change: p.Ser1520Ile; replaces serine 1520 with isoleucine.
Molecular consequence: missense variant.
Genome position (GRCh38, 1-based): chr12:132,642,989, C>A on the plus strand (G>T on the coding strand, the complement: POLE is on the minus strand). VCF-style: chr12-132642989-C-A. GRCh37 (hg19) VCF-style: chr12-133219575-C-A.
Other names: short protein forms S1520I.
Identifiers: ClinVar variation 569427 (VCV000569427.8), dbSNP rs144045570, ClinGen allele CA387379357.